The following is an entry in ClinVar:

ClinVar aggregate classification (germline): Uncertain significance. Review status: criteria provided, multiple submitters, no conflicts (2 of 4 stars). 3 submissions from 3 submitters: Uncertain significance (2). 1 of the submissions does not count toward it. Last evaluated 2026-01-19.

Conditions:
Short stature. Identifiers: MedGen C0349588, HP:0004322.

Allele frequency attached by ClinVar (database versions not stated): TOPMed 0.00021; gnomAD 0.00029; 1000 Genomes Project 30x 0.00031.
gnomAD v4.1: 426 of 1,601,926 alleles (0.027%); highest among the groups gnomAD compares: Non-Finnish European, 0.029%; no homozygotes.

Submissions (3):

Labcorp Genetics (formerly Invitae), Labcorp
Classification: Uncertain significance. Last evaluated: 2026-01-19. Review status: criteria provided, single submitter. Criteria: Invitae Variant Classification Sherloc (09022015). Collection method: clinical testing. Allele origin: germline.
Comment: This sequence change replaces threonine, which is neutral and polar, with arginine, which is basic and polar, at codon 1692 of the MYH7B protein (p.Thr1692Arg). This variant is present in population databases (rs200207301, gnomAD 0.1%), and has an allele count higher than expected for a pathogenic variant. This variant has not been reported in the literature in individuals affected with MYH7B-related conditions. ClinVar contains an entry for this variant (Variation ID: 599535). Invitae Evidence Modeling of protein sequence and biophysical properties (such as structural, functional, and spatial information, amino acid conservation, physicochemical variation, residue mobility, and thermodynamic stability) indicates that this missense variant is not expected to disrupt MYH7B protein function with a negative predictive value of 80%. In summary, the available evidence is currently insufficient to determine the role of this variant in disease. Therefore, it has been classified as a Variant of Uncertain Significance.

Ambry Genetics
Classification: Uncertain significance. Last evaluated: 2025-12-16. Review status: criteria provided, single submitter. Criteria: Ambry Variant Classification Scheme 2023. Collection method: clinical testing. Allele origin: germline.

Institute of Human Genetics, FAU Erlangen, Friedrich-Alexander-Universität Erlangen-Nürnberg
Classification: Uncertain significance for Short stature. Last evaluated: 2001-11-18. Review status: no assertion criteria provided. Collection method: case-control. Allele origin: unknown. Affected: yes. Not counted in ClinVar's aggregate classification.

NM_020884.7(MYH7B):c.4949C>G (p.Thr1650Arg)

Gene: MYH7B (myosin heavy chain 7B; plus strand). Cytogenetic location: 20q11.22.
Variant type: single nucleotide variant.
Coding change: c.4949C>G on transcript NM_020884.7 (MANE Select); coding-DNA position 4949, C replaced by G.
Protein change: p.Thr1650Arg; replaces threonine 1650 with arginine.
Molecular consequence: missense variant.
Genome position (GRCh38, 1-based): chr20:35,000,460, C>G. VCF-style: chr20-35000460-C-G. GRCh37 (hg19) VCF-style: chr20-33588263-C-G.
Other names: short protein forms T1650R.
Identifiers: ClinVar variation 599535 (VCV000599535.6), dbSNP rs200207301, ClinGen allele CA9828378.